The following is an entry in ClinVar:

ClinVar aggregate classification (germline): Likely pathogenic (1 of 4 stars; one submission).

Conditions:
Hereditary spastic paraplegia 49 (HSAN9). Also called: NEUROPATHY, HEREDITARY SENSORY AND AUTONOMIC, TYPE IX, WITH DEVELOPMENTAL DELAY; Spastic paraplegia 49, autosomal recessive; TECPR2-Related Hereditary Sensory and Autonomic Neuropathy with Intellectual Disability. Identifiers: Orphanet 320385, MedGen C5190860, MONDO:0014016, OMIM 615031.

Submission:

Labcorp Genetics (formerly Invitae), Labcorp
Classification: Likely pathogenic for Hereditary spastic paraplegia 49. Last evaluated: 2022-04-14. Review status: criteria provided, single submitter. Criteria: Invitae Variant Classification Sherloc (09022015). Collection method: clinical testing. Allele origin: germline.
Comment: This variant results in a copy number gain of the genomic region encompassing exon(s) 17 of the TECPR2 gene. While the exact position of this variant cannot be determined from the data, sub-genic copy number gains are generally in tandem (PMID: 25640679). This variant is predicted to be out-of-frame, and may result in an absent or disrupted protein product. Loss-of-function variants in TECPR2 are known to be pathogenic (PMID: 23176824, 25590979). This variant has not been reported in the literature in individuals affected with TECPR2-related conditions. In summary, the currently available evidence indicates that the variant is pathogenic, but additional data are needed to prove that conclusively. Therefore, this variant has been classified as Likely Pathogenic.

Literature cited by the submitters: PubMed 25640679; PubMed 23176824; PubMed 25590979.

NC_000014.9:g.(?_102465131)_(102465314_?)dup

Gene: TECPR2 (tectonin beta-propeller repeat containing 2; plus strand). Cytogenetic location: 14q32.31.
Variant type: Duplication.
Identifiers: ClinVar variation 832428 (VCV000832428.8).